The following is an entry in ClinVar:

ClinVar aggregate classification (germline): Pathogenic/Likely pathogenic. Review status: criteria provided, multiple submitters, no conflicts (2 of 4 stars). 3 submissions from 3 submitters: Pathogenic (2); Likely pathogenic (1). Last evaluated 2024-06-10.

Conditions:
ERCC2-related disorder. Also called: ERCC2-related conditions; ERCC2-related condition; ERCC2-related disorders. Identifiers: MedGen CN239291.
Cerebrooculofacioskeletal syndrome 2 (COFS2). Identifiers: MedGen C1853102, MONDO:0012553, OMIM 610756.

Submissions (3):

Myriad Genetics, Inc.
Classification: Pathogenic for ERCC2-related disorder. Last evaluated: 2024-06-10. Review status: criteria provided, single submitter. Criteria: Myriad Autosomal Dominant, Autosomal Recessive and X-Linked Classification Criteria (2023). Collection method: clinical testing. Allele origin: unknown.
Comment: NM_000400.3(ERCC2):c.778C>T(Q260*) is expected to be pathogenic in the context of ERCC2-related disorders. This variant is predicted to lead to an abnormal or absent protein product due to the creation of a premature termination codon in ERCC2, a gene where loss-of-function variants are known to be pathogenic. Please note: this variant was assessed in the context of healthy population screening.

Baylor Genetics
Classification: Likely pathogenic for Cerebrooculofacioskeletal syndrome 2. Last evaluated: 2024-01-24. Review status: criteria provided, single submitter. Criteria: ACMG Guidelines, 2015. Collection method: clinical testing. Allele origin: unknown.

Labcorp Genetics (formerly Invitae), Labcorp
Classification: Pathogenic. Last evaluated: 2023-06-22. Review status: criteria provided, single submitter. Criteria: Invitae Variant Classification Sherloc (09022015). Collection method: clinical testing. Allele origin: germline.
Comment: For these reasons, this variant has been classified as Pathogenic. This sequence change creates a premature translational stop signal (p.Gln260*) in the ERCC2 gene. It is expected to result in an absent or disrupted protein product. Loss-of-function variants in ERCC2 are known to be pathogenic (PMID: 9238033, 11335038, 19085937, 19934020). This variant is not present in population databases (gnomAD no frequency). This variant has not been reported in the literature in individuals affected with ERCC2-related conditions.

Literature cited by the submitters: PubMed 9238033 (cited by Labcorp Genetics (formerly Invitae), Labcorp); PubMed 11335038 (cited by Labcorp Genetics (formerly Invitae), Labcorp); PubMed 19085937 (cited by Labcorp Genetics (formerly Invitae), Labcorp); PubMed 19934020 (cited by Labcorp Genetics (formerly Invitae), Labcorp).

NM_000400.4(ERCC2):c.778C>T (p.Gln260Ter)

Gene: ERCC2 (ERCC excision repair 2, TFIIH core complex helicase subunit; minus strand). Cytogenetic location: 19q13.32.
Variant type: single nucleotide variant.
Coding change: c.778C>T on transcript NM_000400.4 (MANE Select); coding-DNA position 778, C replaced by T.
Protein change: p.Gln260Ter; replaces glutamine 260 with a stop codon.
Molecular consequence: nonsense.
Genome position (GRCh38, 1-based): chr19:45,364,272, G>A on the plus strand (C>T on the coding strand, the complement: ERCC2 is on the minus strand). VCF-style: chr19-45364272-G-A. GRCh37 (hg19) VCF-style: chr19-45867530-G-A.
Other names: c.706C>T, p.Gln236Ter (NM_001130867.2); short protein forms Q236*, Q260*.
Identifiers: ClinVar variation 2975092 (VCV002975092.5), dbSNP rs1050740821, ClinGen allele CA406374130.